The following is an entry in ClinVar:

NM_152564.5(VPS13B):c.10977G>A (p.Arg3659=)

Gene: VPS13B (vacuolar protein sorting 13 homolog B; plus strand). Cytogenetic location: 8q22.2.
Variant type: single nucleotide variant.
Coding change: c.10977G>A on transcript NM_152564.5 (MANE Select); coding-DNA position 10977, G replaced by A.
Protein change: p.Arg3659=; no amino-acid change (arginine 3659 retained).
Molecular consequence: synonymous variant.
Genome position (GRCh38, 1-based): chr8:99,859,413, G>A. VCF-style: chr8-99859413-G-A. GRCh37 (hg19) VCF-style: chr8-100871641-G-A.
Other names: c.11052G>A, p.Arg3684= (NM_017890.5).
Identifiers: ClinVar variation 2173743 (VCV002173743.6), dbSNP rs1374692917, ClinGen allele CA462337311.

ClinVar aggregate classification (germline): Likely benign. Review status: criteria provided, single submitter (1 of 4 stars). 3 submissions from 3 submitters: Likely benign (1). 2 of the submissions do not count toward it. Last evaluated 2022-10-01.

Conditions:
VPS13B-related disorder. Also called: VPS13B-related condition.
Cohen syndrome (COH1). Also called: PEPPER SYNDROME; Cutis verticis gyrata, retinitis pigmentosa, and sensorineural deafness. Identifiers: Orphanet 193, MedGen C0265223, MONDO:0008999, OMIM 216550.

Allele frequency attached by ClinVar (database versions not stated): gnomAD exomes below 0.00001; gnomAD 0.00001; TOPMed 0.00002.
gnomAD v4.1: 3 of 1,614,056 alleles (0.00019%); highest among the groups gnomAD compares: African/African-American, 0.004%; no homozygotes.

Submissions (3):

Labcorp Genetics (formerly Invitae), Labcorp
Classification: Likely benign for Cohen syndrome. Last evaluated: 2022-10-01. Review status: criteria provided, single submitter. Criteria: Invitae Variant Classification Sherloc (09022015). Collection method: clinical testing. Allele origin: germline.

Natera, Inc.
Classification: Uncertain significance for Cohen syndrome. Last evaluated: 2025-04-11. Review status: no assertion criteria provided. Collection method: clinical testing. Allele origin: germline. Not counted in ClinVar's aggregate classification.

PreventionGenetics, part of Exact Sciences
Classification: Likely benign for VPS13B-related condition. Last evaluated: 2024-06-07. Review status: no assertion criteria provided. Collection method: clinical testing. Allele origin: germline. Not counted in ClinVar's aggregate classification.
Comment: This variant is classified as likely benign based on ACMG/AMP sequence variant interpretation guidelines (Richards et al. 2015 PMID: 25741868, with internal and published modifications).